The following is an entry in ClinVar:

NM_013266.4(CTNNA3):c.2458C>G (p.Gln820Glu)

Gene: CTNNA3 (catenin alpha 3; minus strand). Cytogenetic location: 10q21.3.
Variant type: single nucleotide variant.
Coding change: c.2458C>G on transcript NM_013266.4 (MANE Select); coding-DNA position 2458, C replaced by G.
Protein change: p.Gln820Glu; replaces glutamine 820 with glutamic acid.
Molecular consequence: missense variant.
Genome position (GRCh38, 1-based): chr10:65,920,560, G>C on the plus strand (C>G on the coding strand, the complement: CTNNA3 is on the minus strand). VCF-style: chr10-65920560-G-C. GRCh37 (hg19) VCF-style: chr10-67680318-G-C.
Other names: c.2458C>G, p.Gln820Glu (NM_001127384.3); short protein forms Q820E.
Identifiers: ClinVar variation 4657485 (VCV004657485.1).
Genomic context (GRCh38, chr10:65,920,560, plus strand): 5'-CAGCAGGACTCTGGATTCGGATGATCTTGGTTGAGGCAATGTAAGACATTTTCACTGTTT[G>C]CACTACAGCATTCATTAAATTTTTGGCTGCTTGGATCAGGGATGTGACACTGTCCAACTG-3'
Protein context (NP_037398.2, residues 810-830): AAKNLMNAVV[Gln820Glu]TVKMSYIAST

ClinVar aggregate classification (germline): Uncertain significance (1 of 4 stars; one submission).

gnomAD v4.1: 4 of 1,613,994 alleles (0.00025%); highest among the groups gnomAD compares: Non-Finnish European, 0.00034%; no homozygotes.

Submission:

Ambry Genetics
Classification: Uncertain significance. Last evaluated: 2025-11-04. Review status: criteria provided, single submitter. Criteria: Ambry Variant Classification Scheme 2023. Collection method: clinical testing. Allele origin: germline.
Comment: The p.Q820E variant (also known as c.2458C>G), located in coding exon 17 of the CTNNA3 gene, results from a C to G substitution at nucleotide position 2458. The glutamine at codon 820 is replaced by glutamic acid, an amino acid with highly similar properties. This amino acid position is conserved. In addition, this alteration is predicted to be tolerated by in silico analysis. Based on the available evidence, the clinical significance of this variant remains unclear.